The following is an entry in ClinVar:

ClinVar aggregate classification (germline): Uncertain significance (1 of 4 stars; one submission).

gnomAD v4.1: 20 of 1,613,694 alleles (0.0012%); highest among the groups gnomAD compares: South Asian, 0.0055%; no homozygotes.

Submission:

Labcorp Genetics (formerly Invitae), Labcorp
Classification: Uncertain significance. Last evaluated: 2024-12-12. Review status: criteria provided, single submitter. Criteria: Invitae Variant Classification Sherloc (09022015). Collection method: clinical testing. Allele origin: germline.
Comment: This sequence change replaces glycine, which is neutral and non-polar, with serine, which is neutral and polar, at codon 534 of the ANKZF1 protein (p.Gly534Ser). This variant is present in population databases (rs773452240, gnomAD 0.006%). This variant has not been reported in the literature in individuals affected with ANKZF1-related conditions. An algorithm developed to predict the effect of missense changes on protein structure and function outputs the following: PolyPhen-2: "Benign". The serine amino acid residue is found in multiple mammalian species, which suggests that this missense change does not adversely affect protein function. In summary, the available evidence is currently insufficient to determine the role of this variant in disease. Therefore, it has been classified as a Variant of Uncertain Significance.

NM_018089.3(ANKZF1):c.1600G>A (p.Gly534Ser)

Gene: ANKZF1 (ankyrin repeat and zinc finger peptidyl tRNA hydrolase 1; plus strand). Cytogenetic location: 2q35.
Variant type: single nucleotide variant.
Coding change: c.1600G>A on transcript NM_018089.3 (MANE Select); coding-DNA position 1600, G replaced by A.
Protein change: p.Gly534Ser; replaces glycine 534 with serine.
Molecular consequence: missense variant.
Genome position (GRCh38, 1-based): chr2:219,235,221, G>A. VCF-style: chr2-219235221-G-A. GRCh37 (hg19) VCF-style: chr2-220099943-G-A.
Other names: c.970G>A, p.Gly324Ser (NM_001282792.2); c.1600G>A, p.Gly534Ser (NM_001042410.2); short protein forms G324S, G534S.
Identifiers: ClinVar variation 3613889 (VCV003613889.2).